The following is an entry in ClinVar:

ClinVar aggregate classification (germline): Pathogenic (1 of 4 stars; one submission).

Conditions:
Hereditary hyperekplexia. Identifiers: Orphanet 3197, MedGen C4084968, MONDO:0021022.

Submission:

Labcorp Genetics (formerly Invitae), Labcorp
Classification: Pathogenic for Hereditary hyperekplexia. Last evaluated: 2023-07-31. Review status: criteria provided, single submitter. Criteria: Invitae Variant Classification Sherloc (09022015). Collection method: clinical testing. Allele origin: germline.
Comment: For these reasons, this variant has been classified as Pathogenic. This sequence change creates a premature translational stop signal (p.Lys34Glnfs*11) in the GLRA1 gene. It is expected to result in an absent or disrupted protein product. Loss-of-function variants in GLRA1 are known to be pathogenic (PMID: 20631190, 24108130). This variant is present in population databases (rs772056555, gnomAD 0.0009%). This variant has not been reported in the literature in individuals affected with GLRA1-related conditions.

Literature cited by the submitters: PubMed 20631190; PubMed 24108130.

NM_000171.4(GLRA1):c.99dup (p.Lys34fs)

Gene: GLRA1 (glycine receptor alpha 1; minus strand). Cytogenetic location: 5q33.1.
Variant type: Duplication.
Coding change: c.99dup on transcript NM_000171.4 (MANE Select); coding-DNA position 99, one base duplicated (C; older notation c.99dupC).
Protein change: p.Lys34fs; shifts the reading frame from lysine 34.
Molecular consequence: frameshift variant. On other transcripts: intron variant (1).
Genome position (GRCh38, 1-based): chr5:151,892,396, G duplicated on the plus strand (C on the coding strand, the reverse complement: GLRA1 is on the minus strand); the first of 3 consecutive G bases (chr5:151,892,396-151,892,398); duplicating any one gives the same sequence. VCF-style (leftmost placement, unchanged base first): chr5-151892395-T-TG. GRCh37 (hg19) VCF-style: chr5-151271956-T-TG.
Other names: c.99dup, p.Lys34fs (NM_001146040.2); c.-65-5608dup (NM_001292000.2); short protein forms K34fs.
Identifiers: ClinVar variation 2778873 (VCV002778873.3), dbSNP rs772056555, ClinGen allele CA3523773.